The following is an entry in ClinVar:

ClinVar aggregate classification (germline): Uncertain significance (1 of 4 stars; one submission).

Conditions:
Autoinflammation and autoimmunity with immune dysregulation 1. Also called: AUTOINFLAMMATION AND AUTOIMMUNITY, SYSTEMIC, WITH IMMUNE DYSREGULATION 1. Identifiers: MedGen CN381017, MONDO:0700391, OMIM 616414.

Submission:

Victorian Clinical Genetics Services, Murdoch Childrens Research Institute
Classification: Uncertain significance for Autoinflammation and autoimmunity with immune dysregulation 1. Last evaluated: 2026-02-12. Review status: criteria provided, single submitter. Criteria: ACMG Guidelines, 2015. Collection method: clinical testing. Allele origin: germline. Affected: yes.
Comment: This variant is classified as VUS-3C. Evidence in support of pathogenic classification: Non-canonical splice site variant without proven consequence on splicing (no functional evidence available); Variant is absent from gnomAD (v2, v3 and v4). Additional information: This variant is heterozygous; This gene is associated with autosomal dominant disease; This variant has no previous evidence of pathogenicity; No published evidence of segregation with disease has been identified for this variant; No published functional evidence has been identified for this variant; No comparable splice site variants have previous evidence for pathogenicity; In silico prediction for abnormal splicing and nucleotide conservation are conflicting; The mechanism of disease for this gene is not clearly established. Dominant negative has been suggested (PMIDs: 38175705, 25894502); The condition associated with this gene has incomplete penetrance (PMID: 38175705); Variants in this gene are known to have variable expressivity (PMID: 38175705); Inheritance information for this variant is not currently available in this individual.

Literature cited by the submitters: PubMed 25894502; PubMed 38175705.

NM_004371.4(COPA):c.1978-2_1978-1insAAA

Gene: COPA (coat protein complex I subunit alpha; minus strand). Cytogenetic location: 1q23.2.
Variant type: Insertion.
Coding change: c.1978-2_1978-1insAAA on transcript NM_004371.4 (MANE Select); the canonical splice acceptor site of the intron before coding-DNA position 1978, AAA inserted.
Molecular consequence: splice acceptor variant.
Genome position: GRCh38 VCF-style: chr1-160297746-C-CTTT. GRCh37 (hg19) VCF-style: chr1-160267536-C-CTTT.
Other names: c.2005-2_2005-1insAAA (NM_001098398.2).
Identifiers: ClinVar variation 4879750 (VCV004879750.1).